The following is an entry in ClinVar:

NM_022041.4(GAN):c.531G>C (p.Lys177Asn)

Gene: GAN (gigaxonin; plus strand). Cytogenetic location: 16q23.2.
Variant type: single nucleotide variant.
Coding change: c.531G>C on transcript NM_022041.4 (MANE Select); coding-DNA position 531, G replaced by C.
Protein change: p.Lys177Asn; replaces lysine 177 with asparagine.
Molecular consequence: missense variant. On other transcripts: 5 prime UTR variant (1).
Genome position (GRCh38, 1-based): chr16:81,354,653, G>C. VCF-style: chr16-81354653-G-C. GRCh37 (hg19) VCF-style: chr16-81388258-G-C.
Other names: c.-109G>C (NM_001377486.1); short protein forms K177N.
Identifiers: ClinVar variation 2037199 (VCV002037199.4), dbSNP rs2507729402, ClinGen allele CA396868819.
Genomic context (GRCh38, chr16:81,354,653, plus strand): 5'-GGAGACTCATTTCCGAGACGTCAGCAGCACGGAAGAATTCTTAGAGCTGAGTCCTCAAAA[G>C]CTTAAAGAAGTGATTTCTCTTGAGAAGTTAAACGTTGGCAATGAAAGATATGTCTTTGAA-3'
Protein context (NP_071324.1, residues 167-187): TEEFLELSPQ[Lys177Asn]LKEVISLEKL

ClinVar aggregate classification (germline): Uncertain significance (1 of 4 stars; one submission).

Conditions:
Giant axonal neuropathy 1 (GAN1). Also called: GIANT AXONAL NEUROPATHY 1, AUTOSOMAL RECESSIVE; GAN-Related Neurodegeneration. Identifiers: Orphanet 643, MedGen C1850386, MONDO:0009749, OMIM 256850.

Submission:

Labcorp Genetics (formerly Invitae), Labcorp
Classification: Uncertain significance for Giant axonal neuropathy 1. Last evaluated: 2022-03-11. Review status: criteria provided, single submitter. Criteria: Invitae Variant Classification Sherloc (09022015). Collection method: clinical testing. Allele origin: germline.
Comment: In summary, the available evidence is currently insufficient to determine the role of this variant in disease. Therefore, it has been classified as a Variant of Uncertain Significance. Algorithms developed to predict the effect of missense changes on protein structure and function are either unavailable or do not agree on the potential impact of this missense change (SIFT: "Deleterious"; PolyPhen-2: "Benign"; Align-GVGD: "Class C35"). This variant has not been reported in the literature in individuals affected with GAN-related conditions. This variant is not present in population databases (gnomAD no frequency). This sequence change replaces lysine, which is basic and polar, with asparagine, which is neutral and polar, at codon 177 of the GAN protein (p.Lys177Asn).